The following is an entry in ClinVar:

NM_000052.7(ATP7A):c.3467A>C (p.Gln1156Pro)

Gene: ATP7A (ATPase copper transporting alpha; plus strand). Cytogenetic location: Xq21.1.
Variant type: single nucleotide variant.
Coding change: c.3467A>C on transcript NM_000052.7 (MANE Select); coding-DNA position 3467, A replaced by C.
Protein change: p.Gln1156Pro; replaces glutamine 1156 with proline.
Molecular consequence: missense variant. On other transcripts: non-coding transcript variant (1).
Genome position (GRCh38, 1-based): chrX:78,033,777, A>C. VCF-style: chrX-78033777-A-C. GRCh37 (hg19) VCF-style: chrX-77289275-A-C.
Other names: c.3233A>C, p.Gln1078Pro (NM_001282224.2); short protein forms Q1156P, Q1078P.
Identifiers: ClinVar variation 4787735 (VCV004787735.1).
Genomic context (GRCh38, chrX:78,033,777, plus strand): 5'-ATATAGAGGACAATAATATTAAAAATGCATCCCTGGTTCAAATTGATGCCAGTAATGAAC[A>C]GTCATCAACTTCGTCTTCCATGATTATTGATGCCCAGATCTCAAGTAAGCTAATTTTCTT-3'
Protein context (NP_000043.4, residues 1146-1166): SLVQIDASNE[Gln1156Pro]SSTSSSMIID

ClinVar aggregate classification (germline): Uncertain significance (1 of 4 stars; one submission).

Conditions:
Menkes kinky-hair syndrome (MNK). Also called: Menkes Disease; Copper transport disease; Classic Menkes Disease. Identifiers: Orphanet 565, MedGen C0022716, MONDO:0010651, OMIM 309400.
Cutis laxa, X-linked (OHS). Also called: EDS IX; Occipital horn syndrome. Identifiers: Orphanet 198, MedGen C0268353, MONDO:0010572, OMIM 304150.
X-linked distal spinal muscular atrophy type 3. Also called: ATP7A-Related Distal Motor Neuropathy; SPINAL MUSCULAR ATROPHY, DISTAL, X-LINKED RECESSIVE; NEURONOPATHY, DISTAL HEREDITARY MOTOR, X-LINKED; NEUROPATHY, DISTAL HEREDITARY MOTOR, X-LINKED. Identifiers: Orphanet 139557, MedGen C1845359, MONDO:0010338, OMIM 300489.

Submission:

Labcorp Genetics (formerly Invitae), Labcorp
Classification: Uncertain significance for X-linked distal spinal muscular atrophy type 3; Cutis laxa, X-linked; Menkes kinky-hair syndrome. Last evaluated: 2025-04-23. Review status: criteria provided, single submitter. Criteria: Invitae Variant Classification Sherloc (09022015). Collection method: clinical testing. Allele origin: germline.
Comment: This sequence change replaces glutamine, which is neutral and polar, with proline, which is neutral and non-polar, at codon 1156 of the ATP7A protein (p.Gln1156Pro). This variant is not present in population databases (gnomAD no frequency). This variant has not been reported in the literature in individuals affected with ATP7A-related conditions. Invitae Evidence Modeling of protein sequence and biophysical properties (such as structural, functional, and spatial information, amino acid conservation, physicochemical variation, residue mobility, and thermodynamic stability) indicates that this missense variant is not expected to disrupt ATP7A protein function with a negative predictive value of 95%. In summary, the available evidence is currently insufficient to determine the role of this variant in disease. Therefore, it has been classified as a Variant of Uncertain Significance.